The following is an entry in ClinVar:

ClinVar aggregate classification (germline): Uncertain significance (0 of 4 stars; one submission).

Conditions:
CPZ-related disorder. Also called: CPZ-related condition.

Allele frequency attached by ClinVar (database versions not stated): gnomAD exomes below 0.00001; gnomAD 0.00001; 1000 Genomes Project 30x 0.00016.

Submission:

PreventionGenetics, part of Exact Sciences
Classification: Uncertain significance for CPZ-related condition. Last evaluated: 2023-11-22. Review status: no assertion criteria provided. Collection method: clinical testing. Allele origin: germline.
Comment: The CPZ c.613G>A variant is predicted to result in the amino acid substitution p.Ala205Thr. To our knowledge, this variant has not been reported in the literature or in a large population database, indicating this variant is rare. At this time, the clinical significance of this variant is uncertain due to the absence of conclusive functional and genetic evidence.

NM_001014447.3(CPZ):c.613G>A (p.Ala205Thr)

Gene: CPZ (carboxypeptidase Z; plus strand). Cytogenetic location: 4p16.1.
Variant type: single nucleotide variant.
Coding change: c.613G>A on transcript NM_001014447.3 (MANE Select); coding-DNA position 613, G replaced by A.
Protein change: p.Ala205Thr; replaces alanine 205 with threonine.
Molecular consequence: missense variant.
Genome position (GRCh38, 1-based): chr4:8,604,092, G>A. VCF-style: chr4-8604092-G-A. GRCh37 (hg19) VCF-style: chr4-8605819-G-A.
Other names: c.202G>A, p.Ala68Thr (NM_001014448.3); c.580G>A, p.Ala194Thr (NM_003652.4); short protein forms A194T, A205T, A68T.
Identifiers: ClinVar variation 3051487 (VCV003051487.2), dbSNP rs2109321000, ClinGen allele CA356260909.